The following is an entry in ClinVar:

ClinVar aggregate classification (germline): Likely benign. Review status: criteria provided, multiple submitters, no conflicts (2 of 4 stars). 2 submissions from 2 submitters: Likely benign (2). Last evaluated 2018-03-09.

Allele frequency attached by ClinVar (database versions not stated): gnomAD exomes 0.63479 and 0.67993; ExAC 0.68007; ESP Exome Variant Server 0.71199; gnomAD 0.71599 and 0.71975; TOPMed 0.73565; 1000 Genomes Project 0.75539; 1000 Genomes Project 30x 0.75656.
gnomAD v4.1: 1,015,407 of 1,578,260 alleles (64%); highest among the groups gnomAD compares: African/African-American, 89%; 331,832 homozygotes.

Submissions (2):

GeneDx
Classification: Likely benign. Last evaluated: 2018-03-09. Review status: criteria provided, single submitter. Criteria: GeneDx Variant Classification (06012015). Collection method: clinical testing. Allele origin: germline. Affected: yes.
Comment: This variant is considered likely benign or benign based on one or more of the following criteria: it is a conservative change, it occurs at a poorly conserved position in the protein, it is predicted to be benign by multiple in silico algorithms, and/or has population frequency not consistent with disease.

Breakthrough Genomics
Classification: Likely benign. Review status: criteria provided, single submitter. Criteria: ACMG Guidelines, 2015. Collection method: not provided. Allele origin: germline. Inheritance: Unknown mechanism. Affected: yes.

NM_000794.5(DRD1):c.-48G>A

Gene: DRD1 (dopamine receptor D1; minus strand). Cytogenetic location: 5q35.2.
Variant type: single nucleotide variant.
Coding change: c.-48G>A on transcript NM_000794.5 (MANE Select); 48 bases upstream of the start codon, G replaced by A.
Molecular consequence: 5 prime UTR variant.
Genome position (GRCh38, 1-based): chr5:175,443,147, C>T on the plus strand (G>A on the coding strand, the complement: DRD1 is on the minus strand). VCF-style: chr5-175443147-C-T. GRCh37 (hg19) VCF-style: chr5-174870150-C-T.
Identifiers: ClinVar variation 511081 (VCV000511081.2), dbSNP rs4532, ClinGen allele CA3565490.